The following is an entry in ClinVar:

ClinVar aggregate classification (germline): Uncertain significance (1 of 4 stars; one submission).

Conditions:
Low phospholipid associated cholelithiasis (GBD1). Also called: Gallbladder disease 1; Gallstone cholecystitis. Identifiers: Orphanet 69663, MedGen C2609268, MONDO:0010939, OMIM 600803.

Submission:

Genomenon, Inc
Classification: Uncertain significance for Low phospholipid associated cholelithiasis. Last evaluated: 2026-04-14. Review status: criteria provided, single submitter. Criteria: Genomenon Sequence Variant Interpretation Standards - Updated. Collection method: curation. Allele origin: germline. Affected: yes.
Comment: ABCB4 p.His589Pro (c.1766A>C) is a missense variant that changes the amino acid at residue 589 from Histidine to Proline. This variant has been observed in at least one proband with an ABCB4-related disorder (PMID:30449124). It is absent or not present at a significant frequency in gnomAD. In silico models predict that this variant is possibly or probably damaging. In conclusion, we classify ABCB4 p.His589Pro (c.1766A>C) as a variant of uncertain significance.

Literature cited by the submitters: PubMed 30449124.

NM_000443.4(ABCB4):c.1766A>C (p.His589Pro)

Gene: ABCB4 (ATP binding cassette subfamily B member 4; minus strand). Cytogenetic location: 7q21.12.
Variant type: single nucleotide variant.
Coding change: c.1766A>C on transcript NM_000443.4 (MANE Select); coding-DNA position 1766, A replaced by C.
Protein change: p.His589Pro; replaces histidine 589 with proline.
Molecular consequence: missense variant.
Genome position (GRCh38, 1-based): chr7:87,431,531, T>G on the plus strand (A>C on the coding strand, the complement: ABCB4 is on the minus strand). VCF-style: chr7-87431531-T-G. GRCh37 (hg19) VCF-style: chr7-87060847-T-G.
Other names: c.1766A>C, p.His589Pro (NM_018849.3, NM_018850.3); short protein forms H589P.
Identifiers: ClinVar variation 4846490 (VCV004846490.1).